The following is an entry in ClinVar:

ClinVar aggregate classification (germline): Uncertain significance (1 of 4 stars; one submission).

Conditions:
Epileptic encephalopathy. Identifiers: MedGen C0543888, HP:0200134.

gnomAD v4.1: 2 of 1,611,058 alleles (0.00012%); highest among the groups gnomAD compares: South Asian, 0.0022%; no homozygotes.

Submission:

Labcorp Genetics (formerly Invitae), Labcorp
Classification: Uncertain significance for Epileptic encephalopathy. Last evaluated: 2025-10-23. Review status: criteria provided, single submitter. Criteria: Invitae Variant Classification Sherloc (09022015). Collection method: clinical testing. Allele origin: germline.
Comment: This sequence change replaces serine, which is neutral and polar, with glycine, which is neutral and non-polar, at codon 445 of the FASN protein (p.Ser445Gly). This variant is not present in population databases (gnomAD no frequency). This variant has not been reported in the literature in individuals affected with FASN-related conditions. An algorithm developed to predict the effect of missense changes on protein structure and function outputs the following: PolyPhen-2: "Benign". The glycine amino acid residue is found in multiple mammalian species, which suggests that this missense change does not adversely affect protein function. In summary, the available evidence is currently insufficient to determine the role of this variant in disease. Therefore, it has been classified as a Variant of Uncertain Significance.

NM_004104.5(FASN):c.1333A>G (p.Ser445Gly)

Gene: FASN (fatty acid synthase; minus strand). Cytogenetic location: 17q25.3.
Variant type: single nucleotide variant.
Coding change: c.1333A>G on transcript NM_004104.5 (MANE Select); coding-DNA position 1333, A replaced by G.
Protein change: p.Ser445Gly; replaces serine 445 with glycine.
Molecular consequence: missense variant.
Genome position (GRCh38, 1-based): chr17:82,091,381, T>C on the plus strand (A>G on the coding strand, the complement: FASN is on the minus strand). VCF-style: chr17-82091381-T-C. GRCh37 (hg19) VCF-style: chr17-80049257-T-C.
Other names: short protein forms S445G.
Identifiers: ClinVar variation 4740091 (VCV004740091.1).